The following is an entry in ClinVar:

ClinVar aggregate classification (germline): Uncertain significance (1 of 4 stars; one submission).

Conditions:
Infantile spasms. Also called: Infantile spasm. Identifiers: MedGen C3887898, HP:0012469.

Submission:

Labcorp Genetics (formerly Invitae), Labcorp
Classification: Uncertain significance for Infantile spasms. Last evaluated: 2024-03-07. Review status: criteria provided, single submitter. Criteria: Invitae Variant Classification Sherloc (09022015). Collection method: clinical testing. Allele origin: germline.
Comment: This sequence change replaces threonine, which is neutral and polar, with asparagine, which is neutral and polar, at codon 29 of the PIK3AP1 protein (p.Thr29Asn). This variant is not present in population databases (gnomAD no frequency). This variant has not been reported in the literature in individuals affected with PIK3AP1-related conditions. Algorithms developed to predict the effect of missense changes on protein structure and function output the following: SIFT: "Not Available"; PolyPhen-2: "Benign"; Align-GVGD: "Not Available". The asparagine amino acid residue is found in multiple mammalian species, which suggests that this missense change does not adversely affect protein function. In summary, the available evidence is currently insufficient to determine the role of this variant in disease. Therefore, it has been classified as a Variant of Uncertain Significance.

NM_152309.3(PIK3AP1):c.86C>A (p.Thr29Asn)

Gene: PIK3AP1 (phosphoinositide-3-kinase adaptor protein 1; minus strand). Cytogenetic location: 10q24.1.
Variant type: single nucleotide variant.
Coding change: c.86C>A on transcript NM_152309.3 (MANE Select); coding-DNA position 86, C replaced by A.
Protein change: p.Thr29Asn; replaces threonine 29 with asparagine.
Molecular consequence: missense variant.
Genome position (GRCh38, 1-based): chr10:96,709,911, G>T on the plus strand (C>A on the coding strand, the complement: PIK3AP1 is on the minus strand). VCF-style: chr10-96709911-G-T. GRCh37 (hg19) VCF-style: chr10-98469668-G-T.
Other names: short protein forms T29N.
Identifiers: ClinVar variation 3706070 (VCV003706070.2).
Genomic context (GRCh38, chr10:96,709,911, plus strand): 5'-GGGCCCAGCCTGTGAGTCAGTATCTTCTGGCTGCGGACCTGCCGACTGGACAGGAACAGG[G>T]TCTGCAGGTACTGGCACCATTCCTCGGCATCCGGGCTGTAGACGATGAGGATGTCGCATC-3'
Protein context (NP_689522.2, residues 19-39): DAEEWCQYLQ[Thr29Asn]LFLSSRQVRS